The following is an entry in ClinVar:

ClinVar aggregate classification (germline): Uncertain significance. Review status: criteria provided, multiple submitters, no conflicts (2 of 4 stars). 5 submissions from 5 submitters: Uncertain significance (5). Last evaluated 2024-08-13.

Conditions:
RYR1-related disorder. Also called: RYR1-related condition; RYR1-related disorders. Identifiers: MedGen CN239331.
Malignant hyperthermia, susceptibility to, 1 (MHS1). Also called: Anesthesia related hyperthermia; Malignant hyperpyrexia; Fulminating hyperpyrexia; Pharmacogenic myopathy; RYR1-Related Malignant Hyperthermia Susceptibility; Malignant hyperthermia suceptibility 1. Identifiers: Orphanet 423, MedGen C2930980, MONDO:0007783, OMIM 145600.

Allele frequency attached by ClinVar (database versions not stated): gnomAD exomes below 0.00001; gnomAD 0.00001; TOPMed 0.00001.
gnomAD v4.1: 6 of 1,612,790 alleles (0.00037%); highest among the groups gnomAD compares: Non-Finnish European, 0.00051%; no homozygotes.

Submissions (5):

All of Us Research Program, National Institutes of Health
Classification: Uncertain significance for Malignant hyperthermia, susceptibility to, 1. Last evaluated: 2024-08-13. Review status: criteria provided, single submitter. Criteria: ACMG Guidelines, 2015. Collection method: clinical testing. Allele origin: germline. Inheritance: Autosomal dominant inheritance. Observed: 8 variant alleles, 8 heterozygotes.
Comment: This missense variant replaces valine with methionine at codon 1845 of the RYR1 protein. Computational prediction suggests that this variant may not impact protein structure and function (internally defined REVEL score threshold <= 0.5, PMID: 27666373). To our knowledge, functional studies have not been reported for this variant. This variant has not been reported in individuals affected with RYR1-related disorders in the literature. This variant has not been identified in the general population by the Genome Aggregation Database (gnomAD). The available evidence is insufficient to determine the role of this variant in disease conclusively. Therefore, this variant is classified as a Variant of Uncertain Significance.

This study involves interpretation of variants in research participants for the purpose of population health screening. Participant phenotype was not available at the time of variant classification. Additional details can be found in publication PMID: 35346344, PMCID: PMC8962531

Color Diagnostics, LLC DBA Color Health
Classification: Uncertain significance for Malignant hyperthermia, susceptibility to, 1. Last evaluated: 2024-07-23. Review status: criteria provided, single submitter. Criteria: ACMG Guidelines, 2015. Collection method: clinical testing. Allele origin: germline.
Comment: This missense variant replaces valine with methionine at codon 1845 of the RYR1 protein. Computational prediction suggests that this variant may not impact protein structure and function. To our knowledge, functional studies have not been reported for this variant. This variant has not been reported in individuals affected with RYR1-related disorders in the literature. This variant has not been identified in the general population by the Genome Aggregation Database (gnomAD). The available evidence is insufficient to determine the role of this variant in disease conclusively. Therefore, this variant is classified as a Variant of Uncertain Significance.

Blueprint Genetics
Classification: Uncertain significance. Last evaluated: 2023-05-29. Review status: criteria provided, single submitter. Criteria: ACMG Guidelines, 2015. Collection method: clinical testing. Allele origin: germline.

GeneDx
Classification: Uncertain significance. Last evaluated: 2022-10-24. Review status: criteria provided, single submitter. Criteria: GeneDx Variant Classification Process June 2021. Collection method: clinical testing. Allele origin: germline. Affected: yes.
Comment: Not observed at significant frequency in large population cohorts (gnomAD); In silico analysis supports that this missense variant does not alter protein structure/function; Has not been previously published as pathogenic or benign to our knowledge

Labcorp Genetics (formerly Invitae), Labcorp
Classification: Uncertain significance for RYR1-related disorder. Last evaluated: 2021-08-30. Review status: criteria provided, single submitter. Criteria: Invitae Variant Classification Sherloc (09022015). Collection method: clinical testing. Allele origin: germline.
Comment: This sequence change replaces valine with methionine at codon 1845 of the RYR1 protein (p.Val1845Met). The valine residue is moderately conserved and there is a small physicochemical difference between valine and methionine. This variant is not present in population databases (ExAC no frequency). This variant has not been reported in the literature in individuals affected with RYR1-related conditions. Algorithms developed to predict the effect of missense changes on protein structure and function are either unavailable or do not agree on the potential impact of this missense change (SIFT: "Deleterious"; PolyPhen-2: "Possibly Damaging"; Align-GVGD: "Class C0"). In summary, the available evidence is currently insufficient to determine the role of this variant in disease. Therefore, it has been classified as a Variant of Uncertain Significance.

NM_000540.3(RYR1):c.5533G>A (p.Val1845Met)

Gene: RYR1 (ryanodine receptor 1; plus strand). Cytogenetic location: 19q13.2.
Variant type: single nucleotide variant.
Coding change: c.5533G>A on transcript NM_000540.3 (MANE Select); coding-DNA position 5533, G replaced by A.
Protein change: p.Val1845Met; replaces valine 1845 with methionine.
Molecular consequence: missense variant.
Genome position (GRCh38, 1-based): chr19:38,486,188, G>A. VCF-style: chr19-38486188-G-A. GRCh37 (hg19) VCF-style: chr19-38976828-G-A.
Other names: c.5533G>A, p.Val1845Met (NM_001042723.2); short protein forms V1845M.
Identifiers: ClinVar variation 641206 (VCV000641206.10), dbSNP rs926669024, ClinGen allele CA308094009.